The following is an entry in ClinVar:

ClinVar aggregate classification (germline): Uncertain significance (1 of 4 stars; one submission).

Conditions:
Emery-Dreifuss muscular dystrophy (EDMD). Also called: Scapuloperoneal syndrome, X-linked (formerly); Humeroperoneal neuromuscular disease, (formerly). Identifiers: Orphanet 261, MedGen C0410189, MONDO:0016830.

Allele frequency attached by ClinVar (database versions not stated): ExAC 0.00003.
gnomAD v4.1: 20 of 1,613,330 alleles (0.0012%); highest among the groups gnomAD compares: African/African-American, 0.024%; no homozygotes.

Submission:

Labcorp Genetics (formerly Invitae), Labcorp
Classification: Uncertain significance for Emery-Dreifuss muscular dystrophy. Last evaluated: 2024-12-14. Review status: criteria provided, single submitter. Criteria: Invitae Variant Classification Sherloc (09022015). Collection method: clinical testing. Allele origin: germline.
Comment: This sequence change replaces arginine, which is basic and polar, with serine, which is neutral and polar, at codon 103 of the SUN2 protein (p.Arg103Ser). This variant is present in population databases (rs764625298, gnomAD 0.03%). This variant has not been reported in the literature in individuals affected with SUN2-related conditions. ClinVar contains an entry for this variant (Variation ID: 2138962). An algorithm developed to predict the effect of missense changes on protein structure and function (PolyPhen-2) suggests that this variant is likely to be disruptive. In summary, the available evidence is currently insufficient to determine the role of this variant in disease. Therefore, it has been classified as a Variant of Uncertain Significance.

NM_015374.3(SUN2):c.309G>T (p.Arg103Ser)

Gene: SUN2 (Sad1 and UNC84 domain containing 2; minus strand). Cytogenetic location: 22q13.1.
Variant type: single nucleotide variant.
Coding change: c.309G>T on transcript NM_015374.3 (MANE Select); coding-DNA position 309, G replaced by T.
Protein change: p.Arg103Ser; replaces arginine 103 with serine.
Molecular consequence: missense variant. On other transcripts: intron variant (4).
Genome position (GRCh38, 1-based): chr22:38,751,013, C>A on the plus strand (G>T on the coding strand, the complement: SUN2 is on the minus strand). VCF-style: chr22-38751013-C-A. GRCh37 (hg19) VCF-style: chr22-39147018-C-A.
Other names: c.309G>T, p.Arg103Ser (NM_001199579.2, NM_001199580.2, NM_001394427.1 and 11 more transcripts); c.354G>T, p.Arg118Ser (NM_001394429.1, NM_001394430.1); c.219G>T, p.Arg73Ser (NM_001394438.1); c.122+1494G>T (NM_001394443.1); c.286+197G>T (NM_001394439.1, NM_001394441.1, NM_001394440.1); short protein forms R118S, R73S, R103S.
Identifiers: ClinVar variation 2138962 (VCV002138962.4), dbSNP rs764625298, ClinGen allele CA10235986.